The following is an entry in ClinVar:

ClinVar aggregate classification (germline): Uncertain significance (1 of 4 stars; one submission).

Conditions:
Encephalopathy, acute, infection-induced (herpes-specific), susceptibility to, 1. Also called: Herpes simplex encephalitis, susceptibility to, 1. Identifiers: Orphanet 1930, MedGen C2750180, MONDO:0024563, OMIM 610551.

Submission:

Labcorp Genetics (formerly Invitae), Labcorp
Classification: Uncertain significance for Encephalopathy, acute, infection-induced (herpes-specific), susceptibility to, 1. Last evaluated: 2023-08-08. Review status: criteria provided, single submitter. Criteria: Invitae Variant Classification Sherloc (09022015). Collection method: clinical testing. Allele origin: germline.
Comment: In summary, the available evidence is currently insufficient to determine the role of this variant in disease. Therefore, it has been classified as a Variant of Uncertain Significance. Experimental studies and prediction algorithms are not available or were not evaluated, and the functional significance of this variant is currently unknown. This variant has not been reported in the literature in individuals affected with UNC93B1-related conditions. This variant is not present in population databases (gnomAD no frequency). This sequence change replaces glutamine, which is neutral and polar, with lysine, which is basic and polar, at codon 202 of the UNC93B1 protein (p.Gln202Lys).

NM_030930.4(UNC93B1):c.604C>A (p.Gln202Lys)

Gene: UNC93B1 (unc-93B1 regulator of TLR signaling; minus strand). Cytogenetic location: 11q13.2.
Variant type: single nucleotide variant.
Coding change: c.604C>A on transcript NM_030930.4 (MANE Select); coding-DNA position 604, C replaced by A.
Protein change: p.Gln202Lys; replaces glutamine 202 with lysine.
Molecular consequence: missense variant.
Genome position (GRCh38, 1-based): chr11:67,999,256, G>T on the plus strand (C>A on the coding strand, the complement: UNC93B1 is on the minus strand). VCF-style: chr11-67999256-G-T. GRCh37 (hg19) VCF-style: chr11-67766726-G-T.
Other names: short protein forms Q202K.
Identifiers: ClinVar variation 2749470 (VCV002749470.3), dbSNP rs770558620, ClinGen allele CA381576013.